The following is an entry in ClinVar:

ClinVar aggregate classification (germline): Uncertain significance. Review status: criteria provided, multiple submitters, no conflicts (2 of 4 stars). 2 submissions from 2 submitters: Uncertain significance (2). Last evaluated 2024-06-15.

Conditions:
Adams-Oliver syndrome 5 (AOS5). Identifiers: Orphanet 974, MedGen C4014970, MONDO:0014459, OMIM 616028.
Familial thoracic aortic aneurysm and aortic dissection (TAAD). Also called: Thoracic aortic aneurysms and dissections. Identifiers: Orphanet 91387, MedGen C4707243, MONDO:0019625.

Allele frequency attached by ClinVar (database versions not stated): ExAC 0.00027.

Submissions (2):

Labcorp Genetics (formerly Invitae), Labcorp
Classification: Uncertain significance for Adams-Oliver syndrome 5. Last evaluated: 2024-06-15. Review status: criteria provided, single submitter. Criteria: Invitae Variant Classification Sherloc (09022015). Collection method: clinical testing. Allele origin: germline.
Comment: This sequence change replaces asparagine, which is neutral and polar, with threonine, which is neutral and polar, at codon 685 of the NOTCH1 protein (p.Asn685Thr). The frequency data for this variant in the population databases is considered unreliable, as metrics indicate poor data quality at this position in the gnomAD database. This variant has not been reported in the literature in individuals affected with NOTCH1-related conditions. ClinVar contains an entry for this variant (Variation ID: 626576). Advanced modeling of protein sequence and biophysical properties (such as structural, functional, and spatial information, amino acid conservation, physicochemical variation, residue mobility, and thermodynamic stability) has been performed at Invitae for this missense variant, however the output from this modeling did not meet the statistical confidence thresholds required to predict the impact of this variant on NOTCH1 protein function. In summary, the available evidence is currently insufficient to determine the role of this variant in disease. Therefore, it has been classified as a Variant of Uncertain Significance.

CHEO Genetics Diagnostic Laboratory, Children's Hospital of Eastern Ontario
Classification: Uncertain significance for Familial thoracic aortic aneurysm and aortic dissection. Last evaluated: 2017-02-10. Review status: criteria provided, single submitter. Criteria: ACMG Guidelines, 2015. Collection method: clinical testing. Allele origin: germline. Study: Canadian Open Genetics Repository.

NM_017617.5(NOTCH1):c.2054A>C (p.Asn685Thr)

Gene: NOTCH1 (notch receptor 1; minus strand). Cytogenetic location: 9q34.3.
Variant type: single nucleotide variant.
Coding change: c.2054A>C on transcript NM_017617.5 (MANE Select); coding-DNA position 2054, A replaced by C.
Protein change: p.Asn685Thr; replaces asparagine 685 with threonine.
Molecular consequence: missense variant.
Genome position (GRCh38, 1-based): chr9:136,514,663, T>G on the plus strand (A>C on the coding strand, the complement: NOTCH1 is on the minus strand). VCF-style: chr9-136514663-T-G. GRCh37 (hg19) VCF-style: chr9-139409115-T-G.
Other names: c.2054A>C, p.Asn685Thr (LRG_1122t1); short protein forms N685T.
Identifiers: ClinVar variation 626576 (VCV000626576.4), dbSNP rs781473342, ClinGen allele CA5341497.